The following is an entry in ClinVar:

ClinVar aggregate classification (germline): Uncertain significance (1 of 4 stars; one submission).

Conditions:
Angelman syndrome (AS). Also called: HAPPY PUPPET SYNDROME. Identifiers: Orphanet 72, MedGen C0162635, MONDO:0007113, OMIM 105830. Disease mechanism: loss of function. Inheritance: imprinting disorder, AS is caused by disruption of maternally imprinted UBE3A located within the 15q11.2-q13 Angelman syndrome/Prader-Willi syndrome (AS/PWS) region..

Submission:

Labcorp Genetics (formerly Invitae), Labcorp
Classification: Uncertain significance for Angelman syndrome. Last evaluated: 2022-10-13. Review status: criteria provided, single submitter. Criteria: Invitae Variant Classification Sherloc (09022015). Collection method: clinical testing. Allele origin: germline.
Comment: This sequence change replaces cysteine, which is neutral and slightly polar, with tyrosine, which is neutral and polar, at codon 117 of the UBE3A protein (p.Cys117Tyr). In summary, the available evidence is currently insufficient to determine the role of this variant in disease. Therefore, it has been classified as a Variant of Uncertain Significance. Advanced modeling of protein sequence and biophysical properties (such as structural, functional, and spatial information, amino acid conservation, physicochemical variation, residue mobility, and thermodynamic stability) performed at Invitae indicates that this missense variant is expected to disrupt UBE3A protein function. ClinVar contains an entry for this variant (Variation ID: 864774). This variant has not been reported in the literature in individuals affected with UBE3A-related conditions. This variant is not present in population databases (gnomAD no frequency).

NM_130839.5(UBE3A):c.410G>A (p.Cys137Tyr)

Genes: SNHG14 (small nucleolar RNA host gene 14; plus strand), UBE3A (ubiquitin protein ligase E3A; minus strand). Cytogenetic location: 15q11.2.
Variant type: single nucleotide variant.
Coding change: c.410G>A on transcript NM_130839.5 (MANE Select); coding-DNA position 410, G replaced by A.
Protein change: p.Cys137Tyr; replaces cysteine 137 with tyrosine.
Molecular consequence: missense variant. On other transcripts: non-coding transcript variant (1), intron variant (2).
Genome position (GRCh38, 1-based): chr15:25,371,764, C>T on the plus strand (G>A on the coding strand, the complement: UBE3A is on the minus strand). VCF-style: chr15-25371764-C-T. GRCh37 (hg19) VCF-style: chr15-25616911-C-T.
Other names: c.419G>A, p.Cys140Tyr (NM_000462.5); c.410G>A, p.Cys137Tyr (NM_001354505.1, NM_001354538.2, NM_001354545.2); c.350G>A, p.Cys117Tyr (NM_001354506.2, NM_001354507.2, NM_001354508.2 and 17 more transcripts); c.233G>A, p.Cys78Tyr (NM_001354546.2); c.301+3701G>A (NM_001354551.2); c.361+3701G>A (NM_001354550.2); short protein forms C117Y, C137Y, C140Y, C78Y.
Identifiers: ClinVar variation 864774 (VCV000864774.9), dbSNP rs2080319240, ClinGen allele CA391355923.